The following is an entry in ClinVar:

NM_015631.6(TCTN3):c.970G>A (p.Val324Ile)

Gene: TCTN3 (tectonic family member 3; minus strand). Cytogenetic location: 10q24.1.
Variant type: single nucleotide variant.
Coding change: c.970G>A on transcript NM_015631.6 (MANE Select); coding-DNA position 970, G replaced by A.
Protein change: p.Val324Ile; replaces valine 324 with isoleucine.
Molecular consequence: missense variant. On other transcripts: intron variant (1).
Genome position (GRCh38, 1-based): chr10:95,684,624, C>T on the plus strand (G>A on the coding strand, the complement: TCTN3 is on the minus strand). VCF-style: chr10-95684624-C-T. GRCh37 (hg19) VCF-style: chr10-97444381-C-T.
Other names: c.652-995G>A (NM_001143973.2); short protein forms V324I.
Identifiers: ClinVar variation 1503382 (VCV001503382.9), dbSNP rs769275482, ClinGen allele CA5620988.

ClinVar aggregate classification (germline): Uncertain significance. Review status: criteria provided, multiple submitters, no conflicts (2 of 4 stars). 4 submissions from 4 submitters: Uncertain significance (4). Last evaluated 2024-05-21.

Conditions:
Joubert syndrome 18 (JBTS18). Identifiers: Orphanet 2754, MedGen C3553758, MONDO:0013896, OMIM 614815.
Orofacial-digital syndrome IV (OFD4). Also called: BARAITSER-BURN SYNDROME; OFD SYNDROME WITH TIBIAL DEFECTS; OFD SYNDROME, BARAITSER-BURN TYPE; OFDS IV; ORAL-FACIAL-DIGITAL SYNDROME, TYPE IV; MOHR-MAJEWSKI SYNDROME. Identifiers: Orphanet 2753, MedGen C0406727, MONDO:0009794, OMIM 258860.

Allele frequency attached by ClinVar (database versions not stated): gnomAD exomes 0.00005 and 0.00006; ExAC 0.00006; gnomAD 0.00006; TOPMed 0.00006.

Submissions (4):

Blueprint Genetics
Classification: Uncertain significance. Last evaluated: 2024-05-21. Review status: criteria provided, single submitter. Criteria: ACMG Guidelines, 2015. Collection method: clinical testing. Allele origin: germline.

Labcorp Genetics (formerly Invitae), Labcorp
Classification: Uncertain significance for Joubert syndrome 18; Orofacial-digital syndrome IV. Last evaluated: 2023-10-03. Review status: criteria provided, single submitter. Criteria: Invitae Variant Classification Sherloc (09022015). Collection method: clinical testing. Allele origin: germline.
Comment: This sequence change replaces valine, which is neutral and non-polar, with isoleucine, which is neutral and non-polar, at codon 324 of the TCTN3 protein (p.Val324Ile). This variant is present in population databases (rs769275482, gnomAD 0.008%). This variant has not been reported in the literature in individuals affected with TCTN3-related conditions. ClinVar contains an entry for this variant (Variation ID: 1503382). An algorithm developed to predict the effect of missense changes on protein structure and function (PolyPhen-2) suggests that this variant is likely to be disruptive. In summary, the available evidence is currently insufficient to determine the role of this variant in disease. Therefore, it has been classified as a Variant of Uncertain Significance.

Revvity Omics, Revvity
Classification: Uncertain significance. Last evaluated: 2022-04-26. Review status: criteria provided, single submitter. Criteria: ACMG Guidelines, 2015. Collection method: clinical testing. Allele origin: germline.

Fulgent Genetics
Classification: Uncertain significance for Orofacial-digital syndrome IV; Joubert syndrome 18. Last evaluated: 2021-08-02. Review status: criteria provided, single submitter. Criteria: ACMG Guidelines, 2015. Collection method: clinical testing. Allele origin: unknown.